The following is an entry in ClinVar:

ClinVar aggregate classification (germline): Uncertain significance. Review status: criteria provided, multiple submitters, no conflicts (2 of 4 stars). 4 submissions from 4 submitters: Uncertain significance (3). 1 of the submissions does not count toward it. Last evaluated 2025-01-15.

Conditions:
Hereditary cancer-predisposing syndrome. Also called: Tumor predisposition; Hereditary neoplastic syndrome; Neoplastic Syndromes, Hereditary; Hereditary Cancer Syndrome. Identifiers: Orphanet 140162, MedGen C0027672, MeSH D009386, MONDO:0015356.
Hereditary breast ovarian cancer syndrome. Also called: Hereditary breast and ovarian cancer; Breast and ovarian cancer; Hereditary breast and ovarian cancer syndrome (HBOC); Hereditary breast and/or ovarian cancer syndrome; Hereditary breast and ovarian cancer syndrome; BRCA1- and BRCA2-Associated Hereditary Breast and Ovarian Cancer. Identifiers: Orphanet 145, MedGen C0677776, MeSH D061325, MONDO:0003582. Disease mechanism: loss of function.

Submissions (4):

Ambry Genetics
Classification: Uncertain significance for Hereditary cancer-predisposing syndrome. Last evaluated: 2025-01-15. Review status: criteria provided, single submitter. Criteria: Ambry Variant Classification Scheme 2023. Collection method: clinical testing. Allele origin: germline.
Comment: The p.L156V variant (also known as c.466C>G), located in coding exon 6 of the BRCA1 gene, results from a C to G substitution at nucleotide position 466. The leucine at codon 156 is replaced by valine, an amino acid with highly similar properties. This amino acid position is well conserved in available vertebrate species. In addition, this alteration is predicted to be deleterious by in silico analysis. Based on the available evidence, the clinical significance of this variant remains unclear.

Labcorp Genetics (formerly Invitae), Labcorp
Classification: Uncertain significance for Hereditary breast ovarian cancer syndrome. Last evaluated: 2024-10-23. Review status: criteria provided, single submitter. Criteria: Invitae Variant Classification Sherloc (09022015). Collection method: clinical testing. Allele origin: germline.
Comment: This sequence change replaces leucine, which is neutral and non-polar, with valine, which is neutral and non-polar, at codon 156 of the BRCA1 protein (p.Leu156Val). This variant is not present in population databases (gnomAD no frequency). This variant has not been reported in the literature in individuals affected with BRCA1-related conditions. ClinVar contains an entry for this variant (Variation ID: 133722). Invitae Evidence Modeling of protein sequence and biophysical properties (such as structural, functional, and spatial information, amino acid conservation, physicochemical variation, residue mobility, and thermodynamic stability) indicates that this missense variant is not expected to disrupt BRCA1 protein function with a negative predictive value of 80%. In summary, the available evidence is currently insufficient to determine the role of this variant in disease. Therefore, it has been classified as a Variant of Uncertain Significance.

Color Diagnostics, LLC DBA Color Health
Classification: Uncertain significance for Hereditary cancer-predisposing syndrome. Last evaluated: 2019-04-09. Review status: criteria provided, single submitter. Criteria: ACMG Guidelines, 2015. Collection method: clinical testing. Allele origin: germline.

ITMI
No classification provided. Condition: AllHighlyPenetrant. Last evaluated: 2013-09-19. Review status: no classification provided. Collection method: reference population. Allele origin: germline. Not counted in ClinVar's aggregate classification.
Comment: Please see associated publication for description of ethnicities

Literature cited by the submitters: PubMed 24728327 (cited by ITMI).

NM_007294.4(BRCA1):c.466C>G (p.Leu156Val)

Gene: BRCA1 (BRCA1 DNA repair associated; minus strand). Cytogenetic location: 17q21.31.
Variant type: single nucleotide variant.
Coding change: c.466C>G on transcript NM_007294.4 (MANE Select); coding-DNA position 466, C replaced by G.
Protein change: p.Leu156Val; replaces leucine 156 with valine.
Molecular consequence: missense variant. On other transcripts: non-coding transcript variant (1).
Genome position (GRCh38, 1-based): chr17:43,099,856, G>C on the plus strand (C>G on the coding strand, the complement: BRCA1 is on the minus strand). VCF-style: chr17-43099856-G-C. GRCh37 (hg19) VCF-style: chr17-41251873-G-C.
Other names: c.466C>G, p.Leu156Val (NM_001407621.1, NM_001407937.1, NM_001407938.1 and 97 more transcripts); c.385C>G, p.Leu129Val (NM_001407659.1, NM_001407660.1, NM_001407661.1 and 6 more transcripts); c.325C>G, p.Leu109Val (NM_001407933.1, NM_001407944.1, NM_001407945.1 and 61 more transcripts); c.322C>G, p.Leu108Val (NM_001407934.1, NM_001408463.1, NM_001408464.1 and 35 more transcripts); c.256C>G, p.Leu86Val (NM_001407946.1, NM_001407879.1, NM_001407881.1 and 37 more transcripts); c.463C>G, p.Leu155Val (NM_001407940.1, NM_001407941.1, NM_001407628.1 and 65 more transcripts); c.388C>G, p.Leu130Val (NM_001407663.1, NM_001407653.1, NM_001407654.1 and 12 more transcripts); c.253C>G, p.Leu85Val (NM_001407571.1, NM_001407853.1, NM_001407894.1 and 18 more transcripts); and 4 more; short protein forms L156V, L109V, L108V, L130V, L155V, L28V, L86V, L111V.
Identifiers: ClinVar variation 133722 (VCV000133722.7), dbSNP rs587778115, ClinGen allele CA002956.
Genomic context (GRCh38, chr17:43,099,856, plus strand): 5'-TCTTTTGAGGTTGTATCCGCTGCTTTGTCCTCAGAGTTCTCACAGTTCCAAGGTTAGAGA[G>C]TTGGACACTGAGACTGGTTTCCTGCTAAACAGTATGGTAAAGAACAGTCAAGCAATTGTT-3'
Protein context (NP_009225.1, residues 146-166): SLQETSLSVQ[Leu156Val]SNLGTVRTLR